The following is an entry in ClinVar:

NM_024642.5(GALNT12):c.374G>A (p.Cys125Tyr)

Gene: GALNT12 (polypeptide N-acetylgalactosaminyltransferase 12; plus strand). Cytogenetic location: 9q22.33.
Variant type: single nucleotide variant.
Coding change: c.374G>A on transcript NM_024642.5 (MANE Select); coding-DNA position 374, G replaced by A.
Protein change: p.Cys125Tyr; replaces cysteine 125 with tyrosine.
Molecular consequence: missense variant.
Genome position (GRCh38, 1-based): chr9:98,823,258, G>A. VCF-style: chr9-98823258-G-A. GRCh37 (hg19) VCF-style: chr9-101585540-G-A.
Other names: short protein forms C125Y.
Identifiers: ClinVar variation 1734548 (VCV001734548.3), dbSNP rs1356352242, ClinGen allele CA374216432.
Genomic context (GRCh38, chr9:98,823,258, plus strand): 5'-ATCCCCAGTGCCAGCCTGGGCTAGATCCTGAGTTCCTGAAGTTCCGCTGTATTTGCAGGT[G>A]CAAAGAGAAGAAATATGATTATGATAATTTGCCCAGGACATCTGTTATCATAGCATTTTA-3'
Protein context (NP_078918.3, residues 115-135): RRLPERWNPL[Cys125Tyr]KEKKYDYDNL

ClinVar aggregate classification (germline): Uncertain significance (1 of 4 stars; one submission).

Submission:

Ambry Genetics
Classification: Uncertain significance. Last evaluated: 2024-05-02. Review status: criteria provided, single submitter. Criteria: Ambry Variant Classification Scheme 2023. Collection method: clinical testing. Allele origin: germline.
Comment: The p.C125Y variant (also known as c.374G>A), located in coding exon 2 of the GALNT12 gene, results from a G to A substitution at nucleotide position 374. The cysteine at codon 125 is replaced by tyrosine, an amino acid with highly dissimilar properties. This amino acid position is conserved. In addition, this alteration is predicted to be deleterious by in silico analysis. Since supporting evidence is limited at this time, the clinical significance of this alteration remains unclear.